The following is an entry in ClinVar:

NM_000478.6(ALPL):c.793del (p.His265fs)

Gene: ALPL (alkaline phosphatase, biomineralization associated; plus strand). Cytogenetic location: 1p36.12.
Variant type: Deletion.
Coding change: c.793del on transcript NM_000478.6 (MANE Select); coding-DNA position 793, one base deleted (C; older notation c.793delC).
Protein change: p.His265fs; shifts the reading frame from histidine 265.
Molecular consequence: frameshift variant.
Genome position (GRCh38, 1-based): chr1:21,570,305, C deleted. VCF-style (leftmost placement, unchanged base first): chr1-21570304-GC-G. GRCh37 (hg19) VCF-style: chr1-21896797-GC-G.
Other names: c.628del, p.His210fs (NM_001127501.4); c.562del, p.His188fs (NM_001177520.3); c.793del, p.His265fs (NM_001369803.2, NM_001369804.2, NM_001369805.2); short protein forms H188fs, H210fs, H265fs.
Identifiers: ClinVar variation 2815847 (VCV002815847.3), dbSNP rs2545324285, ClinGen allele CA2739272374.

ClinVar aggregate classification (germline): Pathogenic (1 of 4 stars; one submission).

Submission:

Labcorp Genetics (formerly Invitae), Labcorp
Classification: Pathogenic. Last evaluated: 2022-11-23. Review status: criteria provided, single submitter. Criteria: Invitae Variant Classification Sherloc (09022015). Collection method: clinical testing. Allele origin: germline.
Comment: For these reasons, this variant has been classified as Pathogenic. Algorithms developed to predict the effect of sequence changes on RNA splicing suggest that this variant may disrupt the consensus splice site. This variant has not been reported in the literature in individuals affected with ALPL-related conditions. This variant is not present in population databases (gnomAD no frequency). This sequence change creates a premature translational stop signal (p.His265Thrfs*12) in the ALPL gene. It is expected to result in an absent or disrupted protein product. Loss-of-function variants in ALPL are known to be pathogenic (PMID: 3174660, 10679946, 32973344, 33814268).

Literature cited by the submitters: PubMed 3174660; PubMed 10679946; PubMed 32973344; PubMed 33814268.